The following is an entry in ClinVar:

NM_015662.3(IFT172):c.1197G>A (p.Glu399=)

Gene: IFT172 (intraflagellar transport 172; minus strand). Cytogenetic location: 2p23.3.
Variant type: single nucleotide variant.
Coding change: c.1197G>A on transcript NM_015662.3 (MANE Select); coding-DNA position 1197, G replaced by A.
Protein change: p.Glu399=; no amino-acid change (glutamic acid 399 retained).
Molecular consequence: synonymous variant.
Genome position (GRCh38, 1-based): chr2:27,477,583, C>T on the plus strand (G>A on the coding strand, the complement: IFT172 is on the minus strand). VCF-style: chr2-27477583-C-T. GRCh37 (hg19) VCF-style: chr2-27700450-C-T.
Other names: c.1197G>A (NM_015662.2).
Identifiers: ClinVar variation 1530849 (VCV001530849.9), dbSNP rs2148543008, ClinGen allele CA425412527.

ClinVar aggregate classification (germline): Conflicting classifications of pathogenicity. Review status: criteria provided, conflicting classifications (1 of 4 stars). 2 submissions from 2 submitters: Uncertain significance (1); Likely benign (1). Last evaluated 2025-06-26.

Conditions:
Short-rib thoracic dysplasia 10 with or without polydactyly (SRTD10). Identifiers: Orphanet 474, MedGen C3810175, MONDO:0014284, OMIM 615630.
Retinitis pigmentosa 71 (RP71). Identifiers: Orphanet 791, MedGen C4225342, MONDO:0014618, OMIM 616394.
IFT172-related disorder. Also called: IFT172-related condition; IFT172-related disorders.

gnomAD v4.1: 1 of 1,610,902 alleles (0.000062%); highest among the groups gnomAD compares: Admixed American, 0.0017%; no homozygotes.

Submissions (2):

PreventionGenetics, part of Exact Sciences
Classification: Uncertain significance for IFT172-related condition. Last evaluated: 2025-06-26. Review status: criteria provided, single submitter. Criteria: ACMG Guidelines, 2015. Collection method: clinical testing. Allele origin: germline.
Comment: The IFT172 c.1197G>A variant is not predicted to result in an amino acid change (p.=). This variant is predicted to weaken the nearby canonical splicing donor site based on available splicing prediction programs (SpliceAI, Jaganathan et al. 2019. PubMed ID: 30661751). However, the use of computer prediction programs is not equivalent to functional evidence. To our knowledge, this variant has not been reported in the literature or in a large population database (gnomAD), indicating this variant is rare. At this time, the clinical significance of this variant is uncertain due to the absence of conclusive functional and genetic evidence.

Labcorp Genetics (formerly Invitae), Labcorp
Classification: Likely benign for Retinitis pigmentosa 71; Short-rib thoracic dysplasia 10 with or without polydactyly. Last evaluated: 2022-06-05. Review status: criteria provided, single submitter. Criteria: Invitae Variant Classification Sherloc (09022015). Collection method: clinical testing. Allele origin: germline.